The following is an entry in ClinVar:

NM_005633.4(SOS1):c.1865A>G (p.Asn622Ser)

Gene: SOS1 (SOS Ras/Rac guanine nucleotide exchange factor 1; minus strand). Cytogenetic location: 2p22.1.
Variant type: single nucleotide variant.
Coding change: c.1865A>G on transcript NM_005633.4 (MANE Select); coding-DNA position 1865, A replaced by G.
Protein change: p.Asn622Ser; replaces asparagine 622 with serine.
Molecular consequence: missense variant.
Genome position (GRCh38, 1-based): chr2:39,014,840, T>C on the plus strand (A>G on the coding strand, the complement: SOS1 is on the minus strand). VCF-style: chr2-39014840-T-C. GRCh37 (hg19) VCF-style: chr2-39241981-T-C.
Other names: c.1844A>G, p.Asn615Ser (NM_001382394.1); c.1865A>G, p.Asn622Ser (NM_001382395.1); short protein forms N615S, N622S.
Identifiers: ClinVar variation 2768436 (VCV002768436.2), dbSNP rs145443784, ClinGen allele CA1624520.

ClinVar aggregate classification (germline): Uncertain significance (1 of 4 stars; one submission).

Conditions:
RASopathy. Also called: Noonan spectrum disorder; rasopathies. Identifiers: Orphanet 536391, MedGen C5555857, MONDO:0021060.

Allele frequency attached by ClinVar (database versions not stated): gnomAD exomes below 0.00001; ExAC 0.00001; gnomAD 0.00001; TOPMed 0.00001; ESP Exome Variant Server 0.00008.
gnomAD v4.1: 7 of 1,582,256 alleles (0.00044%); highest among the groups gnomAD compares: Non-Finnish European, 0.00061%; no homozygotes.

Submission:

Labcorp Genetics (formerly Invitae), Labcorp
Classification: Uncertain significance for RASopathy. Last evaluated: 2024-11-21. Review status: criteria provided, single submitter. Criteria: Invitae Variant Classification Sherloc (09022015). Collection method: clinical testing. Allele origin: germline.
Comment: This sequence change replaces asparagine, which is neutral and polar, with serine, which is neutral and polar, at codon 622 of the SOS1 protein (p.Asn622Ser). This variant is present in population databases (rs145443784, gnomAD 0.002%). This variant has not been reported in the literature in individuals affected with SOS1-related conditions. ClinVar contains an entry for this variant (Variation ID: 2768436). Invitae Evidence Modeling of protein sequence and biophysical properties (such as structural, functional, and spatial information, amino acid conservation, physicochemical variation, residue mobility, and thermodynamic stability) has been performed for this missense variant. However, the output from this modeling did not meet the statistical confidence thresholds required to predict the impact of this variant on SOS1 protein function. In summary, the available evidence is currently insufficient to determine the role of this variant in disease. Therefore, it has been classified as a Variant of Uncertain Significance.